The following is an entry in ClinVar:

ClinVar aggregate classification (germline): Conflicting classifications of pathogenicity. Review status: criteria provided, conflicting classifications (1 of 4 stars). 2 submissions from 2 submitters: Uncertain significance (1); Likely benign (1). Last evaluated 2026-01-02.

Conditions:
Marshall syndrome (MRSHS). Identifiers: Orphanet 560, MedGen C0265235, MONDO:0007949, OMIM 154780.
Stickler syndrome type 2 (STL2). Also called: STICKLER SYNDROME, TYPE II; COL11A1-Related Stickler Syndrome; STICKLER SYNDROME, BEADED VITREOUS TYPE; STICKLER SYNDROME, VITREOUS TYPE 2. Identifiers: Orphanet 828, Orphanet 90654, MedGen C1858084, MONDO:0011493, OMIM 604841.

Allele frequency attached by ClinVar (database versions not stated): gnomAD 0.00001; ExAC 0.00008; ESP Exome Variant Server 0.00008.
gnomAD v4.1: 15 of 1,612,542 alleles (0.00093%); highest among the groups gnomAD compares: Non-Finnish European, 0.0012%; no homozygotes.

Submissions (2):

Labcorp Genetics (formerly Invitae), Labcorp
Classification: Likely benign. Last evaluated: 2026-01-02. Review status: criteria provided, single submitter. Criteria: Invitae Variant Classification Sherloc (09022015). Collection method: clinical testing. Allele origin: germline.

GeneDx
Classification: Uncertain significance. Last evaluated: 2022-12-22. Review status: criteria provided, single submitter. Criteria: GeneDx Variant Classification Process June 2021. Collection method: clinical testing. Allele origin: germline. Affected: yes.
Comment: Has not been previously published as pathogenic or benign to our knowledge; Not located in the triple helical region, where the majority of pathogenic missense variants occur (HGMD; Acke et al., 2014); In silico analysis supports that this missense variant has a deleterious effect on protein structure/function; This variant is associated with the following publications: (PMID: 25240749)

NM_001854.4(COL11A1):c.268T>A (p.Phe90Ile)

Gene: COL11A1 (collagen type XI alpha 1 chain; minus strand). Cytogenetic location: 1p21.1.
Variant type: single nucleotide variant.
Coding change: c.268T>A on transcript NM_001854.4 (MANE Select); coding-DNA position 268, T replaced by A.
Protein change: p.Phe90Ile; replaces phenylalanine 90 with isoleucine.
Molecular consequence: missense variant. On other transcripts: non-coding transcript variant (1).
Genome position (GRCh38, 1-based): chr1:103,082,811, A>T on the plus strand (T>A on the coding strand, the complement: COL11A1 is on the minus strand). VCF-style: chr1-103082811-A-T. GRCh37 (hg19) VCF-style: chr1-103548367-A-T.
Other names: c.268T>A, p.Phe90Ile (NM_001168249.1, NM_001190709.2, NM_080629.3 and 1 more transcripts); short protein forms F90I.
Identifiers: ClinVar variation 2506842 (VCV002506842.3), dbSNP rs373790561, ClinGen allele CA975516.
Genomic context (GRCh38, chr1:103,082,811, plus strand): 5'-AAAGTGTAATAACTTTTAGTAATAATAACAATAATAATAATAAAGTGAATATACCTGGAA[A>T]TAACTGTTTTGTTGGGGCACTGAGTTGTGCTTGCTTTGAAACTCTGTAAGCAGTATCTGA-3'
Protein context (NP_001845.3, residues 80-100): AQLSAPTKQL[Phe90Ile]PGGTFPEDFS